The following is an entry in ClinVar:

ClinVar aggregate classification (germline): Uncertain significance (1 of 4 stars; one submission).

Conditions:
Autosomal dominant hypocalcemia 1 (HYPOC1). Also called: HYPOCALCEMIA, FAMILIAL. Identifiers: MedGen C3715128, MONDO:0011013, OMIM 601198.
Familial hypocalciuric hypercalcemia (FHH). Also called: Familial benign hypercalcemia. Identifiers: Orphanet 405, MedGen C1809471, MONDO:0018458.

Submission:

Labcorp Genetics (formerly Invitae), Labcorp
Classification: Uncertain significance for Familial hypocalciuric hypercalcemia; Autosomal dominant hypocalcemia 1. Last evaluated: 2022-09-07. Review status: criteria provided, single submitter. Criteria: Invitae Variant Classification Sherloc (09022015). Collection method: clinical testing. Allele origin: germline.
Comment: This variant is not present in population databases (gnomAD no frequency). In summary, the available evidence is currently insufficient to determine the role of this variant in disease. Therefore, it has been classified as a Variant of Uncertain Significance. Algorithms developed to predict the effect of missense changes on protein structure and function are either unavailable or do not agree on the potential impact of this missense change (SIFT: "Deleterious"; PolyPhen-2: "Benign"; Align-GVGD: "Class C55"). ClinVar contains an entry for this variant (Variation ID: 1444128). This variant has not been reported in the literature in individuals affected with CASR-related conditions. This sequence change replaces serine, which is neutral and polar, with threonine, which is neutral and polar, at codon 915 of the CASR protein (p.Ser915Thr).

NM_000388.4(CASR):c.2744G>C (p.Ser915Thr)

Gene: CASR (calcium sensing receptor; plus strand). Cytogenetic location: 3q21.1.
Variant type: single nucleotide variant.
Coding change: c.2744G>C on transcript NM_000388.4 (MANE Select); coding-DNA position 2744, G replaced by C.
Protein change: p.Ser915Thr; replaces serine 915 with threonine.
Molecular consequence: missense variant.
Genome position (GRCh38, 1-based): chr3:122,284,698, G>C. VCF-style: chr3-122284698-G-C. GRCh37 (hg19) VCF-style: chr3-122003545-G-C.
Other names: c.2774G>C, p.Ser925Thr (NM_001178065.2); short protein forms S925T, S915T.
Identifiers: ClinVar variation 1444128 (VCV001444128.8), dbSNP rs2107651117, ClinGen allele CA354160668.